The following is an entry in ClinVar:

NM_003722.5(TP63):c.1963C>T (p.Arg655Ter)

Gene: TP63 (tumor protein p63; plus strand). Cytogenetic location: 3q28.
Variant type: single nucleotide variant.
Coding change: c.1963C>T on transcript NM_003722.5 (MANE Select); coding-DNA position 1963, C replaced by T.
Protein change: p.Arg655Ter; replaces arginine 655 with a stop codon.
Molecular consequence: nonsense. On other transcripts: 3 prime UTR variant (6).
Genome position (GRCh38, 1-based): chr3:189,894,422, C>T. VCF-style: chr3-189894422-C-T. GRCh37 (hg19) VCF-style: chr3-189612211-C-T.
Other names: c.*201C>T (NM_001114978.2, NM_001114981.2); c.1681C>T, p.Arg561Ter (NM_001114980.2); c.*191C>T (NM_001329144.2, NM_001329145.2, NM_001329149.2 and 1 more transcripts); c.1426C>T, p.Arg476Ter (NM_001329146.2); c.1951C>T, p.Arg651Ter (NM_001329148.2); c.1957C>T, p.Arg653Ter (NM_001329964.2); short protein forms R476*, R561*, R651*, R653*, R655*.
Identifiers: ClinVar variation 2434205 (VCV002434205.4), dbSNP rs760967074, ClinGen allele CA355751563.

ClinVar aggregate classification (germline): Likely pathogenic. Review status: criteria provided, multiple submitters, no conflicts (2 of 4 stars). 2 submissions from 2 submitters: Likely pathogenic (2). Last evaluated 2021-12-21.

Conditions:
Limb-mammary syndrome (LMS). Also called: Mammary hypoplasia, ectrodactyly, and other hand/foot anomalies. Identifiers: Orphanet 69085, MedGen C1863753, MONDO:0011334, OMIM 603543.

Submissions (2):

Revvity Omics, Revvity
Classification: Likely pathogenic. Last evaluated: 2021-12-21. Review status: criteria provided, single submitter. Criteria: ACMG Guidelines, 2015. Collection method: clinical testing. Allele origin: germline.

Molecular Genetics Department, Kulakov National Medical Research Center for Obstetrics, Gynecology and Perinatology
Classification: Likely pathogenic for Limb-mammary syndrome. Review status: criteria provided, single submitter. Criteria: ACMG Guidelines, 2015. Collection method: clinical testing. Allele origin: germline. Affected: yes.
Comment: A previously undescribed nucleotide variant creates a premature translation stop signal p.Arg655Ter in the TP63 gene. Loss-of-function variants are reported in patients with Limb-mammary syndrome, 603543. The variant is not present in population database (gnomAD no frequency). In summary, the currently available evidence indicates that the variant is pathogenic, but additional data are needed to prove that conclusively. Therefore, this variant has been classified as likely pathogenic.